The following is an entry in ClinVar:

NM_173689.7(CRB2):c.1667C>T (p.Thr556Met)

Gene: CRB2 (crumbs cell polarity complex component 2; plus strand). Cytogenetic location: 9q33.3.
Variant type: single nucleotide variant.
Coding change: c.1667C>T on transcript NM_173689.7 (MANE Select); coding-DNA position 1667, C replaced by T.
Protein change: p.Thr556Met; replaces threonine 556 with methionine.
Molecular consequence: missense variant. On other transcripts: non-coding transcript variant (1).
Genome position (GRCh38, 1-based): chr9:123,370,720, C>T. VCF-style: chr9-123370720-C-T. GRCh37 (hg19) VCF-style: chr9-126132999-C-T.
Other names: short protein forms T556M.
Identifiers: ClinVar variation 4280071 (VCV004280071.1).

ClinVar aggregate classification (germline): Uncertain significance (1 of 4 stars; one submission).

Conditions:
Joubert syndrome 17 (JBTS17). Identifiers: Orphanet 475, MedGen C3553264, MONDO:0013824, OMIM 614615.

gnomAD v4.1: 98 of 1,604,106 alleles (0.0061%); highest among the groups gnomAD compares: African/African-American, 0.037%; no homozygotes.

Submission:

Johns Hopkins Genomics, Johns Hopkins University
Classification: Uncertain significance for Joubert syndrome 17. Last evaluated: 2025-03-10. Review status: criteria provided, single submitter. Criteria: ACMG Guidelines, 2015. Collection method: clinical testing. Allele origin: germline.
Comment: The clinical significance of this variant is uncertain (PM2, BP4).

Literature cited by the submitters: PubMed 15851977; PubMed 25557779.